The following is an entry in ClinVar:

ClinVar aggregate classification (germline): Uncertain significance. Review status: criteria provided, multiple submitters, no conflicts (2 of 4 stars). 4 submissions from 3 submitters: Uncertain significance (4). Last evaluated 2022-10-23.

Conditions:
Achromatopsia. Also called: Rod monochromatism. Identifiers: Orphanet 49382, MedGen C0152200, MONDO:0018852, HP:0011516.
Cone dystrophy 4 (COD4). Identifiers: Orphanet 49382, MedGen C2751308, MONDO:0013129, OMIM 613093.

Allele frequency attached by ClinVar (database versions not stated): gnomAD 0.00002; gnomAD exomes 0.00002; ExAC 0.00003; TOPMed 0.00003.
gnomAD v4.1: 29 of 1,613,940 alleles (0.0018%); highest among the groups gnomAD compares: Admixed American, 0.0033%; no homozygotes.

Submissions (4):

Blueprint Genetics
Classification: Uncertain significance. Last evaluated: 2022-10-23. Review status: criteria provided, single submitter. Criteria: ACMG Guidelines, 2015. Collection method: clinical testing. Allele origin: germline.

Labcorp Genetics (formerly Invitae), Labcorp
Classification: Uncertain significance. Last evaluated: 2022-08-02. Review status: criteria provided, single submitter. Criteria: Invitae Variant Classification Sherloc (09022015). Collection method: clinical testing. Allele origin: germline.
Comment: This sequence change replaces arginine, which is basic and polar, with histidine, which is basic and polar, at codon 502 of the PDE6C protein (p.Arg502His). This variant is present in population databases (rs779174659, gnomAD 0.004%). This variant has not been reported in the literature in individuals affected with PDE6C-related conditions. ClinVar contains an entry for this variant (Variation ID: 301633). Algorithms developed to predict the effect of missense changes on protein structure and function (SIFT, PolyPhen-2, Align-GVGD) all suggest that this variant is likely to be tolerated. In summary, the available evidence is currently insufficient to determine the role of this variant in disease. Therefore, it has been classified as a Variant of Uncertain Significance.

Illumina Laboratory Services, Illumina
Classification: Uncertain significance for Achromatopsia. Last evaluated: 2018-01-12. Review status: criteria provided, single submitter. Criteria: ICSL Variant Classification Criteria 13 December 2019. Collection method: clinical testing. Allele origin: germline.

Illumina Laboratory Services, Illumina
Classification: Uncertain significance for Cone dystrophy 4. Last evaluated: 2018-01-12. Review status: criteria provided, single submitter. Criteria: ICSL Variant Classification Criteria 13 December 2019. Collection method: clinical testing. Allele origin: germline.

NM_006204.4(PDE6C):c.1505G>A (p.Arg502His)

Gene: PDE6C (phosphodiesterase 6C; plus strand). Cytogenetic location: 10q23.33.
Variant type: single nucleotide variant.
Coding change: c.1505G>A on transcript NM_006204.4 (MANE Select); coding-DNA position 1505, G replaced by A.
Protein change: p.Arg502His; replaces arginine 502 with histidine.
Molecular consequence: missense variant.
Genome position (GRCh38, 1-based): chr10:93,640,092, G>A. VCF-style: chr10-93640092-G-A. GRCh37 (hg19) VCF-style: chr10-95399849-G-A.
Other names: short protein forms R502H.
Identifiers: ClinVar variation 301633 (VCV000301633.7), dbSNP rs779174659, ClinGen allele CA5610219.
Genomic context (GRCh38, chr10:93,640,092, plus strand): 5'-TGAATGTAATCTGAAACAACCCATCCTTATTTCAACAGAAAGAGGACTTGCCAGACCCAC[G>A]CTCAGCAGAACTGTACGAATTCCGCTTCAGTGACTTCCCCCTTACAGAGCACGGATTGAT-3'
Protein context (NP_006195.3, residues 492-512): AILKEDLPDP[Arg502His]SAELYEFRFS